The following is an entry in ClinVar:

ClinVar aggregate classification (germline): Uncertain significance. Review status: criteria provided, multiple submitters, no conflicts (2 of 4 stars). 3 submissions from 3 submitters: Uncertain significance (3). Last evaluated 2025-07-10.

Conditions:
Tumor predisposition syndrome 3 (TPDS3). Also called: Melanoma, cutaneous malignant, susceptibility to, 10; Glioma susceptibility 9; LONG TELOMERE SYNDROME, POT1-RELATED; POT1 Tumor Predisposition. Identifiers: Orphanet 618, MedGen C4014476, MONDO:0014368, OMIM 615848.
Hereditary cancer-predisposing syndrome. Also called: Neoplastic Syndromes, Hereditary; Hereditary Cancer Syndrome; Hereditary neoplastic syndrome; Tumor predisposition. Identifiers: Orphanet 140162, MedGen C0027672, MeSH D009386, MONDO:0015356.

Allele frequency attached by ClinVar (database versions not stated): gnomAD exomes below 0.00001; gnomAD 0.00001.
gnomAD v4.1: 2 of 1,612,858 alleles (0.00012%); highest among the groups gnomAD compares: Non-Finnish European, 0.00017%; no homozygotes.

Submissions (3):

Ambry Genetics
Classification: Uncertain significance for Hereditary cancer-predisposing syndrome. Last evaluated: 2025-07-10. Review status: criteria provided, single submitter. Criteria: Ambry Variant Classification Scheme 2023. Collection method: clinical testing. Allele origin: germline.
Comment: The p.V285M variant (also known as c.853G>A), located in coding exon 6 of the POT1 gene, results from a G to A substitution at nucleotide position 853. The valine at codon 285 is replaced by methionine, an amino acid with highly similar properties. This alteration was identified in 2 of 2928 melanoma cases and 0 of 3298 controls (Simonin-Wilmer I et al. J Med Genet, 2023 Jul;60:692-696). This amino acid position is well conserved in available vertebrate species. In addition, the in silico prediction for this alteration is inconclusive. Based on the available evidence, the clinical significance of this variant remains unclear.

Labcorp Genetics (formerly Invitae), Labcorp
Classification: Uncertain significance for Tumor predisposition syndrome 3. Last evaluated: 2023-08-28. Review status: criteria provided, single submitter. Criteria: Invitae Variant Classification Sherloc (09022015). Collection method: clinical testing. Allele origin: germline.
Comment: In summary, the available evidence is currently insufficient to determine the role of this variant in disease. Therefore, it has been classified as a Variant of Uncertain Significance. Advanced modeling of protein sequence and biophysical properties (such as structural, functional, and spatial information, amino acid conservation, physicochemical variation, residue mobility, and thermodynamic stability) performed at Invitae indicates that this missense variant is not expected to disrupt POT1 protein function. ClinVar contains an entry for this variant (Variation ID: 1038839). This variant has not been reported in the literature in individuals affected with POT1-related conditions. This variant is not present in population databases (gnomAD no frequency). This sequence change replaces valine, which is neutral and non-polar, with methionine, which is neutral and non-polar, at codon 285 of the POT1 protein (p.Val285Met).

Quest Diagnostics Nichols Institute San Juan Capistrano
Classification: Uncertain significance. Last evaluated: 2022-12-27. Review status: criteria provided, single submitter. Criteria: Quest Diagnostics criteria. Collection method: clinical testing. Allele origin: unknown.
Comment: The variant has not been reported in the published literature. The frequency of this variant in the general population, 0.0000066 (1/152086 chromosomes), is uninformative in assessment of its pathogenicity. Analysis of this variant using bioinformatics tools for the prediction of the effect of amino acid changes on protein structure and function yielded conflicting predictions that this variant is benign or damaging. Based on the available information, we are unable to determine the clinical significance of this variant.

Literature cited by the submitters: PubMed 36539277 (cited by Ambry Genetics).

NM_015450.3(POT1):c.853G>A (p.Val285Met)

Gene: POT1 (protection of telomeres 1; minus strand). Cytogenetic location: 7q31.33.
Variant type: single nucleotide variant.
Coding change: c.853G>A on transcript NM_015450.3 (MANE Select); coding-DNA position 853, G replaced by A.
Protein change: p.Val285Met; replaces valine 285 with methionine.
Molecular consequence: missense variant. On other transcripts: non-coding transcript variant (3).
Genome position (GRCh38, 1-based): chr7:124,852,988, C>T on the plus strand (G>A on the coding strand, the complement: POT1 is on the minus strand). VCF-style: chr7-124852988-C-T. GRCh37 (hg19) VCF-style: chr7-124493042-C-T.
Other names: c.460G>A, p.Val154Met (NM_001042594.2); short protein forms V285M, V154M.
Identifiers: ClinVar variation 1038839 (VCV001038839.13), dbSNP rs1795350062, ClinGen allele CA369055217.
Genomic context (GRCh38, chr7:124,852,988, plus strand): 5'-TTAATCGATACCTTATTTACATTTTCTAAATACTAAAAGCTTACTTTTTCAGTTGATCCA[C>T]ATCAGAGTTACTTTCTGGCAAGACCCTGATTCCCCGACCGTAACTGGTACCTCCATGAAG-3'
Protein context (NP_056265.2, residues 275-295): IRVLPESNSD[Val285Met]DQLKKDLESA